The following is an entry in ClinVar:

ClinVar aggregate classification (germline): Likely pathogenic. Review status: criteria provided, multiple submitters, no conflicts (2 of 4 stars). 3 submissions from 3 submitters: Likely pathogenic (2). 1 of the submissions does not count toward it. Last evaluated 2022-05-03.

Conditions:
Retinal dystrophy. Also called: Inherited retinal dystrophy. Identifiers: Orphanet 71862, MedGen C0854723, MeSH D058499, MONDO:0019118, HP:0000556.

Submissions (3):

Labcorp Genetics (formerly Invitae), Labcorp
Classification: Likely pathogenic. Last evaluated: 2022-05-03. Review status: criteria provided, single submitter. Criteria: Invitae Variant Classification Sherloc (09022015). Collection method: clinical testing. Allele origin: germline.
Comment: In summary, the currently available evidence indicates that the variant is pathogenic, but additional data are needed to prove that conclusively. Therefore, this variant has been classified as Likely Pathogenic. Experimental studies have shown that this missense change affects BEST1 function (PMID: 23880862). Advanced modeling of protein sequence and biophysical properties (such as structural, functional, and spatial information, amino acid conservation, physicochemical variation, residue mobility, and thermodynamic stability) performed at Invitae indicates that this missense variant is expected to disrupt BEST1 protein function. ClinVar contains an entry for this variant (Variation ID: 99708). This missense change has been observed in individuals with autosomal dominant Best vitelliform macular dystrophy (PMID: 10854112). This variant is not present in population databases (gnomAD no frequency). This sequence change replaces leucine, which is neutral and non-polar, with arginine, which is basic and polar, at codon 100 of the BEST1 protein (p.Leu100Arg).

Institute of Human Genetics, Univ. Regensburg, Univ. Regensburg
Classification: Likely pathogenic for Retinal dystrophy. Last evaluated: 2021-01-01. Review status: criteria provided, single submitter. Criteria: ACMG Guidelines, 2015. Collection method: clinical testing. Allele origin: germline. Affected: yes.

Retina International
No classification provided. Review status: no classification provided. Collection method: not provided. Allele origin: not provided. Not counted in ClinVar's aggregate classification.

Literature cited by the submitters: PubMed 23880862 (cited by Labcorp Genetics (formerly Invitae), Labcorp and Institute of Human Genetics, Univ. Regensburg, Univ. Regensburg); PubMed 10854112 (cited by Labcorp Genetics (formerly Invitae), Labcorp and Institute of Human Genetics, Univ. Regensburg, Univ. Regensburg); PubMed 29555955 (cited by Institute of Human Genetics, Univ. Regensburg, Univ. Regensburg).

NM_004183.4(BEST1):c.299T>G (p.Leu100Arg)

Gene: BEST1 (bestrophin 1; plus strand). Cytogenetic location: 11q12.3.
Variant type: single nucleotide variant.
Coding change: c.299T>G on transcript NM_004183.4 (MANE Select); coding-DNA position 299, T replaced by G.
Protein change: p.Leu100Arg; replaces leucine 100 with arginine.
Molecular consequence: missense variant. On other transcripts: non-coding transcript variant (1).
Genome position (GRCh38, 1-based): chr11:61,955,769, T>G. VCF-style: chr11-61955769-T-G. GRCh37 (hg19) VCF-style: chr11-61723241-T-G.
Other names: c.119T>G, p.Leu40Arg (NM_001139443.3, NM_001300786.2, NM_001300787.2); c.-20T>G (NM_001363591.3); c.299T>G, p.Leu100Arg (NM_001363592.2); c.-877T>G (NM_001363593.3); short protein forms L100R, L40R.
Identifiers: ClinVar variation 99708 (VCV000099708.6), dbSNP rs281865228, ClinGen allele CA227761.